The following is an entry in ClinVar:

ClinVar aggregate classification (germline): Uncertain significance (1 of 4 stars; one submission).

Conditions:
Autosomal recessive limb-girdle muscular dystrophy type R18 (LGMDR18). Also called: Limb-girdle muscular dystrophy, type 2S; Autosomal recessive limb-girdle muscular dystrophy type 2S; MUSCULAR DYSTROPHY, LIMB-GIRDLE, AUTOSOMAL RECESSIVE 18. Identifiers: Orphanet 369840, MedGen C4517996, MONDO:0014144, OMIM 615356.

Allele frequency attached by ClinVar (database versions not stated): ExAC 0.00001.
gnomAD v4.1: 11 of 1,613,824 alleles (0.00068%); highest among the groups gnomAD compares: Admixed American, 0.0017%; no homozygotes.

Submission:

Labcorp Genetics (formerly Invitae), Labcorp
Classification: Uncertain significance for Autosomal recessive limb-girdle muscular dystrophy type R18. Last evaluated: 2022-02-05. Review status: criteria provided, single submitter. Criteria: Invitae Variant Classification Sherloc (09022015). Collection method: clinical testing. Allele origin: germline.
Comment: In summary, the available evidence is currently insufficient to determine the role of this variant in disease. Therefore, it has been classified as a Variant of Uncertain Significance. Algorithms developed to predict the effect of missense changes on protein structure and function are either unavailable or do not agree on the potential impact of this missense change (SIFT: "Deleterious"; PolyPhen-2: "Benign"; Align-GVGD: "Class C0"). This variant has not been reported in the literature in individuals affected with TRAPPC11-related conditions. This variant is present in population databases (rs768618652, gnomAD 0.0009%). This sequence change replaces arginine, which is basic and polar, with glycine, which is neutral and non-polar, at codon 1110 of the TRAPPC11 protein (p.Arg1110Gly).

NM_021942.6(TRAPPC11):c.3328C>G (p.Arg1110Gly)

Gene: TRAPPC11 (trafficking protein particle complex subunit 11; plus strand). Cytogenetic location: 4q35.1.
Variant type: single nucleotide variant.
Coding change: c.3328C>G on transcript NM_021942.6 (MANE Select); coding-DNA position 3328, C replaced by G.
Protein change: p.Arg1110Gly; replaces arginine 1110 with glycine.
Molecular consequence: missense variant.
Genome position (GRCh38, 1-based): chr4:183,708,545, C>G. VCF-style: chr4-183708545-C-G. GRCh37 (hg19) VCF-style: chr4-184629698-C-G.
Other names: c.3209C>G, p.Ala1070Gly (NM_199053.3); short protein forms A1070G, R1110G.
Identifiers: ClinVar variation 2070153 (VCV002070153.4), dbSNP rs768618652, ClinGen allele CA3152501.